The following is an entry in ClinVar:

ClinVar aggregate classification (germline): Pathogenic/Likely pathogenic. Review status: criteria provided, multiple submitters, no conflicts (2 of 4 stars). 11 submissions from 11 submitters: Pathogenic (5); Likely pathogenic (3). 3 of the submissions do not count toward it. Last evaluated 2026-01-26.

Conditions:
CNGA3-related disorders.
CNGA3-related disorder. Also called: CNGA3-related condition.
Inborn genetic diseases. Identifiers: MedGen C0950123, MeSH D030342.
Retinal dystrophy. Also called: Inherited retinal dystrophy. Identifiers: Orphanet 71862, MedGen C0854723, MeSH D058499, MONDO:0019118, HP:0000556.
Achromatopsia. Also called: Rod monochromatism. Identifiers: Orphanet 49382, MedGen C0152200, MONDO:0018852, HP:0011516.
Achromatopsia 2 (ACHM2). Also called: ROD MONOCHROMACY 2; ROD MONOCHROMATISM 2; COLORBLINDNESS, TOTAL. Identifiers: Orphanet 49382, MedGen C1857618, MONDO:0009003, OMIM 216900.

Allele frequency attached by ClinVar (database versions not stated): ExAC 0.00007; TOPMed 0.00008; gnomAD 0.00011 and 0.00012; gnomAD exomes 0.00014.
gnomAD v4.1: 127 of 1,614,064 alleles (0.0079%); highest among the groups gnomAD compares: Admixed American, 0.0067%; no homozygotes.

Submissions (11):

PreventionGenetics, part of Exact Sciences
Classification: Pathogenic for CNGA3-related condition. Last evaluated: 2026-01-26. Review status: criteria provided, single submitter. Criteria: ACMG Guidelines, 2015. Collection method: clinical testing. Allele origin: germline.
Comment: The CNGA3 c.1669G>A variant is predicted to result in the amino acid substitution p.Gly557Arg. This variant has been reported in many individuals with achromatopsia or unspecified retinal disease (see for examples: Kohl et al. 1998. PubMed ID: 9662398; Zelinger et al. 2015. PubMed ID: 25616768; Table S1, Lin et al. 2024. PubMed ID: 38219857). A functional study using a patch-clamp assay on transformed cell lines found that the p.Arg410Trp substitution causes a lack of cGMP-activated current in the protein channel (Muraki-Oda et al. 2007. PubMed ID: 17693388). This variant is present in 0.27% of alleles in individuals of Ashkenazi Jewish descent in gnomAD. This variant is interpreted as pathogenic.

Labcorp Genetics (formerly Invitae), Labcorp
Classification: Pathogenic. Last evaluated: 2025-10-29. Review status: criteria provided, single submitter. Criteria: Invitae Variant Classification Sherloc (09022015). Collection method: clinical testing. Allele origin: germline.
Comment: This sequence change replaces glycine, which is neutral and non-polar, with arginine, which is basic and polar, at codon 557 of the CNGA3 protein (p.Gly557Arg). This variant is present in population databases (rs104893615, gnomAD 0.3%). This missense change has been observed in individual(s) with achromatopsia (PMID: 17265047, 18521937, 25616768; internal data). In at least one individual the data is consistent with being in trans (on the opposite chromosome) from a pathogenic variant. ClinVar contains an entry for this variant (Variation ID: 9476). Invitae Evidence Modeling of protein sequence and biophysical properties (such as structural, functional, and spatial information, amino acid conservation, physicochemical variation, residue mobility, and thermodynamic stability) indicates that this missense variant is expected to disrupt CNGA3 protein function with a positive predictive value of 95%. Experimental studies are conflicting or provide insufficient evidence to determine the effect of this variant on CNGA3 function (PMID: 17693388, 18521937). For these reasons, this variant has been classified as Pathogenic.

Equipe Genetique des Anomalies du Developpement, Université de Bourgogne
Classification: Pathogenic for Achromatopsia 2. Last evaluated: 2025-08-18. Review status: criteria provided, single submitter. Criteria: ACMG Guidelines, 2015. Collection method: clinical testing. Allele origin: maternal. Affected: yes.
Comment: It is absent from the gnomAD v4.1.0 database in the homozygous state. In silico prediction tools support a deleterious effect. The affected amino acid is conserved and located within the ion-trans domain of the protein. This variant is reported as pathogenic or likely pathogenic in the ClinVar database (two-star review status) and in LOVD. It has been previously described in the literature in individuals with achromatopsia, either in the homozygous state or in trans with other pathogenic variants (PMID: 11536077, 28559085, 17265047, 32531858, 31964843). Biallelic pathogenic variants in CNGA3 are associated with achromatopsia type 2 (OMIM #216900), an autosomal recessive disorder. According to current evidence, this variant is classified as pathogenic (Class 5, ACMG criteria).

GeneDx
Classification: Pathogenic. Last evaluated: 2024-11-27. Review status: criteria provided, single submitter. Criteria: GeneDx Variant Classification Process June 2021. Collection method: clinical testing. Allele origin: germline. Affected: yes.
Comment: Published functional studies demonstrate a damaging effect with alteration of cGMP sensitivity, reduced calcium influx, and decreased cell surface expression compared to wild type (PMID: 18521937); In silico analysis supports that this missense variant has a deleterious effect on protein structure/function; This variant is associated with the following publications: (PMID: 11536077, 32531858, 31964843, 9662398, 25616768, 17693388, 18521937, 31456290, 31980526, 38219857)

Fulgent Genetics
Classification: Likely pathogenic for Achromatopsia 2. Last evaluated: 2024-03-06. Review status: criteria provided, single submitter. Criteria: ACMG Guidelines, 2015. Collection method: clinical testing. Allele origin: germline.

Blueprint Genetics
Classification: Pathogenic for CNGA3-related disorders. Last evaluated: 2023-08-23. Review status: criteria provided, single submitter. Criteria: ACMG Guidelines, 2015. Collection method: clinical testing. Allele origin: germline. Affected: yes. Observed: 5 variant alleles.

Ambry Genetics
Classification: Likely pathogenic for Inborn genetic diseases. Last evaluated: 2021-08-28. Review status: criteria provided, single submitter. Criteria: Ambry Variant Classification Scheme 2023. Collection method: clinical testing. Allele origin: germline.
Comment: The c.1669G>A (p.G557R) alteration is located in exon 8 (coding exon 7) of the CNGA3 gene. This alteration results from a G to A substitution at nucleotide position 1669, causing the glycine (G) at amino acid position 557 to be replaced by an arginine (R). Based on data from gnomAD, the A allele has an overall frequency of 0.01% (40/282722) total alleles studied. The highest observed frequency was 0.27% (28/10360) of Ashkenazi Jewish alleles. This alteration is one of the most common founder mutations in the Israeli population (Sharon, 2020). It has been reported in association with achromatopsia and other cone photoreceptor disorders in homozygotes and in heterozygotes with an additional CNGA3 alteration (Kohl, 1998; Wissinger, 2001; Wiszniewski, 2007; Reuter, 2008; Zelinger 2015; Matet, 2018). This amino acid position is highly conserved in available vertebrate species. This alteration is predicted to be deleterious by in silico analysis. Based on the available evidence, this alteration is classified as likely pathogenic.

Institute of Human Genetics, Univ. Regensburg, Univ. Regensburg
Classification: Likely pathogenic for Retinal dystrophy. Last evaluated: 2021-01-01. Review status: criteria provided, single submitter. Criteria: ACMG Guidelines, 2015. Collection method: clinical testing. Allele origin: germline. Affected: yes.

Sharon lab, Hadassah-Hebrew University Medical Center
Classification: Pathogenic for achromatopsia. Last evaluated: 2019-06-23. Review status: no assertion criteria provided. Collection method: research. Allele origin: inherited. Affected: yes. Not counted in ClinVar's aggregate classification.

OMIM
Classification: Pathogenic for ACHROMATOPSIA 2. Last evaluated: 1998-07-01. Review status: no assertion criteria provided. Collection method: literature only. Allele origin: germline. Not counted in ClinVar's aggregate classification.

Laboratory for Molecular Medicine, Mass General Brigham Personalized Medicine
Classification: Uncertain significance. Last evaluated: 2013-10-30. Review status: flagged submission. Criteria: LMM Criteria. Collection method: clinical testing. Allele origin: germline. Inheritance: Autosomal recessive inheritance. Observed: 1 variant allele. Study: CSER-MedSeq. Not counted in ClinVar's aggregate classification.
Comment: The Gly557Arg variant in CNGA3 has been identified in 1 compound heterozygous individual with achromatopsia (Kohl 1998). Functional studies indicate this variant may alter protein function (Reuter 2008), though the assay is not clinically validated. In summary, although these data favor pathogenicity of the Gly557Arg variant, additional studies are needed to fully assess its clinical significance.
ClinVar note: Reason: Outlier claim with insufficient supporting evidence

Literature cited by the submitters: PubMed 17265047 (cited by 3 submitters); PubMed 18521937 (cited by 3 submitters); PubMed 25616768 (cited by 3 submitters); PubMed 17693388 (cited by Labcorp Genetics (formerly Invitae), Labcorp and Institute of Human Genetics, Univ. Regensburg, Univ. Regensburg); PubMed 11536077 (cited by Equipe Genetique des Anomalies du Developpement, Université de Bourgogne and Ambry Genetics); PubMed 28559085 (cited by Equipe Genetique des Anomalies du Developpement, Université de Bourgogne); PubMed 32531858 (cited by Equipe Genetique des Anomalies du Developpement, Université de Bourgogne and Institute of Human Genetics, Univ. Regensburg, Univ. Regensburg); PubMed 31964843 (cited by Equipe Genetique des Anomalies du Developpement, Université de Bourgogne and Institute of Human Genetics, Univ. Regensburg, Univ. Regensburg); PubMed 9662398 (cited by 4 submitters); PubMed 29618791 (cited by Ambry Genetics); PubMed 31456290 (cited by Ambry Genetics and Institute of Human Genetics, Univ. Regensburg, Univ. Regensburg); PubMed 31980526 (cited by Institute of Human Genetics, Univ. Regensburg, Univ. Regensburg).

NM_001298.3(CNGA3):c.1669G>A (p.Gly557Arg)

Gene: CNGA3 (cyclic nucleotide gated channel subunit alpha 3; plus strand). Cytogenetic location: 2q11.2.
Variant type: single nucleotide variant.
Coding change: c.1669G>A on transcript NM_001298.3 (MANE Select); coding-DNA position 1669, G replaced by A.
Protein change: p.Gly557Arg; replaces glycine 557 with arginine.
Molecular consequence: missense variant.
Genome position (GRCh38, 1-based): chr2:98,396,839, G>A. VCF-style: chr2-98396839-G-A. GRCh37 (hg19) VCF-style: chr2-99013302-G-A.
Other names: c.1615G>A, p.Gly539Arg (NM_001079878.2); short protein forms G557R, G539R.
Identifiers: ClinVar variation 9476 (VCV000009476.26), dbSNP rs104893615, ClinGen allele CA199157.